The following is an entry in ClinVar:

ClinVar aggregate classification (germline): Uncertain significance. Review status: criteria provided, multiple submitters, no conflicts (2 of 4 stars). 2 submissions from 2 submitters: Uncertain significance (2). Last evaluated 2025-08-20.

Conditions:
Hereditary cancer-predisposing syndrome. Also called: Neoplastic Syndromes, Hereditary; Hereditary Cancer Syndrome; Tumor predisposition; Hereditary neoplastic syndrome. Identifiers: Orphanet 140162, MedGen C0027672, MeSH D009386, MONDO:0015356.

Allele frequency attached by ClinVar (database versions not stated): ExAC 0.00002.
gnomAD v4.1: 1 of 1,600,000 alleles (0.000063%); no homozygotes.

Submissions (2):

Labcorp Genetics (formerly Invitae), Labcorp
Classification: Uncertain significance. Last evaluated: 2025-08-20. Review status: criteria provided, single submitter. Criteria: Invitae Variant Classification Sherloc (09022015). Collection method: clinical testing. Allele origin: germline.
Comment: This sequence change replaces phenylalanine, which is neutral and non-polar, with leucine, which is neutral and non-polar, at codon 2175 of the POLE protein (p.Phe2175Leu). The frequency data for this variant in the population databases is considered unreliable, as metrics indicate poor data quality at this position in the gnomAD database. This variant has not been reported in the literature in individuals affected with POLE-related conditions. ClinVar contains an entry for this variant (Variation ID: 2447943). Invitae Evidence Modeling of protein sequence and biophysical properties (such as structural, functional, and spatial information, amino acid conservation, physicochemical variation, residue mobility, and thermodynamic stability) indicates that this missense variant is not expected to disrupt POLE protein function with a negative predictive value of 80%. In summary, the available evidence is currently insufficient to determine the role of this variant in disease. Therefore, it has been classified as a Variant of Uncertain Significance.

Ambry Genetics
Classification: Uncertain significance for Hereditary cancer-predisposing syndrome. Last evaluated: 2025-06-09. Review status: criteria provided, single submitter. Criteria: Ambry Variant Classification Scheme 2023. Collection method: clinical testing. Allele origin: germline.
Comment: The p.F2175L variant (also known as c.6523T>C), located in coding exon 46 of the POLE gene, results from a T to C substitution at nucleotide position 6523. The phenylalanine at codon 2175 is replaced by leucine, an amino acid with highly similar properties. This amino acid position is conserved. In addition, this alteration is predicted to be tolerated by in silico analysis. Since supporting evidence is limited at this time, the clinical significance of this alteration remains unclear.

NM_006231.4(POLE):c.6523T>C (p.Phe2175Leu)

Gene: POLE (DNA polymerase epsilon, catalytic subunit; minus strand). Cytogenetic location: 12q24.33.
Variant type: single nucleotide variant.
Coding change: c.6523T>C on transcript NM_006231.4 (MANE Select); coding-DNA position 6523, T replaced by C.
Protein change: p.Phe2175Leu; replaces phenylalanine 2175 with leucine.
Molecular consequence: missense variant.
Genome position (GRCh38, 1-based): chr12:132,626,125, A>G on the plus strand (T>C on the coding strand, the complement: POLE is on the minus strand). VCF-style: chr12-132626125-A-G. GRCh37 (hg19) VCF-style: chr12-133202711-A-G.
Other names: short protein forms F2175L.
Identifiers: ClinVar variation 2447943 (VCV002447943.4), dbSNP rs773742930, ClinGen allele CA6892159.